The following is an entry in ClinVar:

NM_021971.4(GMPPB):c.952-14A>G

Gene: GMPPB (GDP-mannose pyrophosphorylase B; minus strand). Cytogenetic location: 3p21.31.
Variant type: single nucleotide variant.
Coding change: c.952-14A>G on transcript NM_021971.4 (MANE Select); 14 bases into the intron before coding-DNA position 952, A replaced by G.
Molecular consequence: intron variant. On other transcripts: missense variant (1).
Genome position (GRCh38, 1-based): chr3:49,721,897, T>C on the plus strand (A>G on the coding strand, the complement: GMPPB is on the minus strand). VCF-style: chr3-49721897-T-C. GRCh37 (hg19) VCF-style: chr3-49759330-T-C.
Other names: c.1019A>G, p.Tyr340Cys (NM_013334.4); short protein forms Y340C.
Identifiers: ClinVar variation 373160 (VCV000373160.11), dbSNP rs747845961, ClinGen allele CA2405383.

ClinVar aggregate classification (germline): Conflicting classifications of pathogenicity. Review status: criteria provided, conflicting classifications (1 of 4 stars). 3 submissions from 3 submitters: Uncertain significance (2); Likely benign (1). Last evaluated 2025-07-08.

Conditions:
Muscular dystrophy-dystroglycanopathy (congenital with brain and eye anomalies), type A14. Also called: Congenital Muscular Dystrophy-Dystroglycanopathy with Brain and Eye Anomalies Type A 14; Congenital muscular dystrophy-dystroglycanopathy with brain and eye anomalies, type A14; WALKER-WARBURG SYNDROME OR MUSCLE-EYE-BRAIN DISEASE, GMPPB-RELATED; Muscular dystrophy-dystroglycanopathy (congenital with brain and eye anomalies), type a, 14. Identifiers: Orphanet 588, MedGen C3809216, MONDO:0014140, OMIM 615350.
Muscular dystrophy-dystroglycanopathy (congenital with impaired intellectual development), type B, 14. Also called: Muscular dystrophy-dystroglycanopathy (congenital with intellectual disability), type B14; Congenital muscular dystrophy-dystroglycanopathy with mental retardation, type B14; MUSCULAR DYSTROPHY, CONGENITAL, GMPPB-RELATED. Identifiers: MedGen C3809221, MONDO:0014141, OMIM 615351.
Autosomal recessive limb-girdle muscular dystrophy type 2T. Also called: MUSCULAR DYSTROPHY-DYSTROGLYCANOPATHY, LIMB-GIRDLE, GMPPB-RELATED; MUSCULAR DYSTROPHY, LIMB-GIRDLE, TYPE 2T; Limb-girdle muscular dystrophy-dystroglycanopathy, type C14; Muscular dystrophy-dystroglycanopathy (limb-girdle), type c, 14. Identifiers: Orphanet 363623, MedGen C4518000, MONDO:0014142, OMIM 615352.

Allele frequency attached by ClinVar (database versions not stated): gnomAD exomes 0.00003 and 0.00008; gnomAD 0.00005; TOPMed 0.00005; ExAC 0.00007.
gnomAD v4.1: 118 of 1,613,828 alleles (0.0073%); highest among the groups gnomAD compares: Middle Eastern, 0.016%; no homozygotes.

Submissions (3):

Revvity Omics, Revvity
Classification: Uncertain significance. Last evaluated: 2025-07-08. Review status: criteria provided, single submitter. Criteria: ACMG Guidelines, 2015. Collection method: clinical testing. Allele origin: germline.

Labcorp Genetics (formerly Invitae), Labcorp
Classification: Likely benign for Autosomal recessive limb-girdle muscular dystrophy type 2T; Muscular dystrophy-dystroglycanopathy (congenital with brain and eye anomalies), type A14; Muscular dystrophy-dystroglycanopathy (congenital with impaired intellectual development), type B, 14. Last evaluated: 2025-05-11. Review status: criteria provided, single submitter. Criteria: Invitae Variant Classification Sherloc (09022015). Collection method: clinical testing. Allele origin: germline.

GeneDx
Classification: Uncertain significance. Last evaluated: 2016-11-18. Review status: criteria provided, single submitter. Criteria: GeneDx Variant Classification (06012015). Collection method: clinical testing. Allele origin: germline. Affected: yes.
Comment: The Y340C variant in the GMPPB gene has not been reported previously as a pathogenic variant, nor as a benign variant, to our knowledge. The Y340C variant was not observed in approximately 6500 individuals of European and African American ancestry in the NHLBI Exome Sequencing Project, indicating it is not a common benign variant in these populations. The Y340C variant is a non-conservative amino acid substitution, which is likely to impact secondary protein structure as these residues differ in polarity, charge, size and/or other properties. However, this substitution occurs at a position that is not conserved, and in silico analysis predicts this variant likely does not alter the protein structure/function. We interpret Y340C as a variant of uncertain significance.